The following is an entry in ClinVar:

NM_015915.5(ATL1):c.740A>C (p.His247Pro)

Gene: ATL1 (atlastin GTPase 1; plus strand). Cytogenetic location: 14q22.1.
Variant type: single nucleotide variant.
Coding change: c.740A>C on transcript NM_015915.5 (MANE Select); coding-DNA position 740, A replaced by C.
Protein change: p.His247Pro; replaces histidine 247 with proline.
Molecular consequence: missense variant.
Genome position (GRCh38, 1-based): chr14:50,614,389, A>C. VCF-style: chr14-50614389-A-C. GRCh37 (hg19) VCF-style: chr14-51081107-A-C.
Other names: c.740A>C, p.His247Pro (NM_001127713.1, NM_181598.4); short protein forms H247P.
Identifiers: ClinVar variation 1687638 (VCV001687638.2), dbSNP rs2140226883, ClinGen allele CA389671452.

ClinVar aggregate classification (germline): Likely pathogenic (1 of 4 stars; one submission).

Submission:

GeneDx
Classification: Likely pathogenic. Last evaluated: 2022-05-24. Review status: criteria provided, single submitter. Criteria: GeneDx Variant Classification Process June 2021. Collection method: clinical testing. Allele origin: germline. Affected: yes.
Comment: In silico analysis, which includes protein predictors and evolutionary conservation, supports a deleterious effect; Not observed in large population cohorts (gnomAD); This variant is associated with the following publications: (PMID: 14695538, 25525159, 19459885, 23334294, 31236401, 21368113)